The following is an entry in ClinVar:

NM_006393.3(NEBL):c.383A>T (p.Gln128Leu)

Gene: NEBL (nebulette; minus strand). Cytogenetic location: 10p12.31.
Variant type: single nucleotide variant.
Coding change: c.383A>T on transcript NM_006393.3 (MANE Select); coding-DNA position 383, A replaced by T.
Protein change: p.Gln128Leu; replaces glutamine 128 with leucine.
Molecular consequence: missense variant. On other transcripts: intron variant (9).
Genome position (GRCh38, 1-based): chr10:20,880,891, T>A on the plus strand (A>T on the coding strand, the complement: NEBL is on the minus strand). VCF-style: chr10-20880891-T-A. GRCh37 (hg19) VCF-style: chr10-21169820-T-A.
Other names: c.250-67951A>T (NM_001377326.1, NM_001377327.1, NM_001377328.1); c.358-67951A>T (NM_213569.2, NM_001173484.2, NM_001377322.1); c.301-67951A>T (NM_001377324.1); c.292-67951A>T (NM_001377325.1); c.310-67951A>T (NM_001377323.1); short protein forms Q128L.
Identifiers: ClinVar variation 229049 (VCV000229049.19), dbSNP rs139809958, ClinGen allele CA5433261.
Genomic context (GRCh38, chr10:20,880,891, plus strand): 5'-ACCTCAGGGGGCTCCTTCATGTGGGCATAATCTGAGAATCCTTTGGCAGCATCATGTTTC[T>A]GCTTGTAGGCCACCTGAAAAACACAAATAATTTTTAGTCCCATTTAGAGGCATATAAATT-3'
Protein context (NP_006384.1, residues 118-138): TQLQSEVAYK[Gln128Leu]KHDAAKGFSD

ClinVar aggregate classification (germline): Conflicting classifications of pathogenicity. Review status: criteria provided, conflicting classifications (1 of 4 stars). 5 submissions from 5 submitters: Uncertain significance (3); Likely benign (2). Last evaluated 2026-04-24.

Conditions:
Primary dilated cardiomyopathy (DCM). Also called: Dilated Cardiomyopathy. Identifiers: Orphanet 217604, MedGen C0007193, MeSH D002311, MONDO:0005021, HP:0001644. Inheritance: Various modes of inheritance.

Allele frequency attached by ClinVar (database versions not stated): TOPMed 0.00055; ESP Exome Variant Server 0.00077; 1000 Genomes Project 30x 0.00078; 1000 Genomes Project 0.00080.
gnomAD v4.1: 113 of 1,614,058 alleles (0.007%); highest among the groups gnomAD compares: African/African-American, 0.13%; 1 homozygote.

Submissions (5):

Women's Health and Genetics/Laboratory Corporation of America, LabCorp
Classification: Likely benign. Last evaluated: 2026-04-24. Review status: criteria provided, single submitter. Criteria: LabCorp Variant Classification Summary - May 2015. Collection method: clinical testing. Allele origin: germline.

Labcorp Genetics (formerly Invitae), Labcorp
Classification: Likely benign for Primary dilated cardiomyopathy. Last evaluated: 2025-12-27. Review status: criteria provided, single submitter. Criteria: Invitae Variant Classification Sherloc (09022015). Collection method: clinical testing. Allele origin: germline.

Ambry Genetics
Classification: Uncertain significance. Last evaluated: 2024-12-04. Review status: criteria provided, single submitter. Criteria: Ambry Variant Classification Scheme 2023. Collection method: clinical testing. Allele origin: germline.

GeneDx
Classification: Uncertain significance. Last evaluated: 2018-11-13. Review status: criteria provided, single submitter. Criteria: GeneDx Variant Classification (06012015). Collection method: clinical testing. Allele origin: germline. Affected: yes.
Comment: A variant of uncertain significance has been identified in the NEBL gene. The Q128L variant has not been published as pathogenic or been reported as benign to our knowledge. The Q128L variant is a non-conservative amino acid substitution, which is likely to impact secondary protein structure as these residues differ in polarity, charge, size and/or other properties. Additionally, this substitution occurs at a position that is conserved across species. Furthermore, in silico analysis predicts this variant is probably damaging to the protein structure/function. A missense variant in the same residue (Q128R) has been reported in association with DCM and endocardial fibroelastosis in a newborn (Purevjav et al., 2010); however the pathogenicity of this variant has not been definitively determined. Nevertheless, this variant has been observed in approximately 0.2% of alleles from individual of African ancestry in large population cohorts (Lek et al., 2016; 1000 Genomes Consortium et al., 2015; Exome Variant Server; Exome Aggregation Consortium).

Laboratory for Molecular Medicine, Mass General Brigham Personalized Medicine
Classification: Uncertain significance. Last evaluated: 2015-03-11. Review status: criteria provided, single submitter. Criteria: LMM Criteria. Collection method: clinical testing. Allele origin: germline. Observed: 1 variant allele.
Comment: Variant classified as Uncertain Significance - Favor Benign. The p.Gln128Leu var iant in NEBL has not been previously reported in individuals with cardiomyopathy , but has been identified in 0.2% (19/10400) of African chromosomes by the Exome Aggregation Consortium (ExAC; dbSNP rs139809958 ). Computational prediction tools and conservation analysis do not provide stron g support for or against an impact to the protein. In summary, while the clinica l significance of the p.Gln128Leu variant is uncertain, its frequency suggests t hat it is more likely to be benign.